The following is an entry in ClinVar:

NC_000009.12:g.69090066_69225446dup

Genes: TJP2 (tight junction protein 2; plus strand), LOC124292588 (Sharpr-MPRA regulatory region 4978; plus strand), LOC130001864 (ATAC-STARR-seq lymphoblastoid silent region 19932; plus strand), LOC130001865 (ATAC-STARR-seq lymphoblastoid active region 28446; plus strand), LOC130001866 (ATAC-STARR-seq lymphoblastoid silent region 19933; plus strand) and 1 more. Cytogenetic location: 9q21.11.
Variant type: Duplication.
Identifiers: ClinVar variation 236035 (VCV000236035.2).

ClinVar aggregate classification (germline): Pathogenic (0 of 4 stars; one submission).

Conditions:
Autosomal dominant nonsyndromic hearing loss 51. Also called: Deafness, autosomal dominant 51; CHROMOSOME 9q21.11 DUPLICATION SYNDROME. Identifiers: Orphanet 90635, MedGen C3160736, MONDO:0013305, OMIM 613558.

Submission:

Laboratory of Prof. Karen Avraham, Tel Aviv University
Classification: Pathogenic for Autosomal dominant nonsyndromic hearing loss 51. Last evaluated: 2016-02-16. Review status: no assertion criteria provided. Collection method: research. Allele origin: germline. Affected: yes.
Comment: Late onset, high-tone HL

NSHL; dominant, DFNA51; ~135kb dup